The following is an entry in ClinVar:

ClinVar aggregate classification (germline): Likely pathogenic (1 of 4 stars; one submission).

Conditions:
Congenital lactic acidosis, Saguenay-Lac-Saint-Jean type (MC4DN5). Also called: MITOCHONDRIAL COMPLEX IV DEFICIENCY, NUCLEAR TYPE 5; CYTOCHROME c OXIDASE DEFICIENCY, FRENCH CANADIAN TYPE; COX DEFICIENCY, FRENCH CANADIAN TYPE. Identifiers: Orphanet 70472, MedGen C1857355, MONDO:0009069, OMIM 220111.

Submission:

Myriad Genetics, Inc.
Classification: Likely pathogenic for Congenital lactic acidosis, Saguenay-Lac-Saint-Jean type. Last evaluated: 2022-02-01. Review status: criteria provided, single submitter. Criteria: Myriad Women's Health Autosomal Recessive and X-Linked Classification Criteria (2021). Collection method: clinical testing. Allele origin: unknown.
Comment: NM_133259.3(LRPPRC):c.3261_3262delGG(M1087Ifs*29) is expected to be pathogenic in the context of Leigh syndrome, French-Canadian type. This variant is predicted to lead to an abnormal or absent protein product due to the creation of a premature termination codon in LRPPRC, a gene where loss-of-function variants are known to be pathogenic. Please note: this variant was assessed in the context of healthy population screening.

NM_133259.4(LRPPRC):c.3261_3262del (p.Met1087fs)

Gene: LRPPRC (leucine rich pentatricopeptide repeat containing; minus strand). Cytogenetic location: 2p21.
Variant type: Deletion.
Coding change: c.3261_3262del on transcript NM_133259.4 (MANE Select); coding-DNA positions 3261 to 3262, 2 bases deleted (GG; older notation c.3261_3262delGG).
Protein change: p.Met1087fs; shifts the reading frame from methionine 1087.
Molecular consequence: frameshift variant.
Genome position (GRCh38, 1-based): chr2:43,912,445-43,912,446, CC deleted on the plus strand (GG on the coding strand, the reverse complement: LRPPRC is on the minus strand). VCF-style (leftmost placement, unchanged base first): chr2-43912444-TCC-T. GRCh37 (hg19) VCF-style: chr2-44139583-TCC-T.
Other names: short protein forms M1087fs.
Identifiers: ClinVar variation 1724209 (VCV001724209.2), dbSNP rs2466423921, ClinGen allele CA2580066470.